The following is an entry in ClinVar:

ClinVar aggregate classification (germline): Benign/Likely benign. Review status: criteria provided, multiple submitters, no conflicts (2 of 4 stars). 3 submissions from 3 submitters: Benign (1); Likely benign (2). Last evaluated 2026-06-17.

Conditions:
Polyps, multiple and recurrent inflammatory fibroid, gastrointestinal. Identifiers: MedGen C5193005, MONDO:0008285, OMIM 175510.
Hereditary cancer-predisposing syndrome. Also called: Neoplastic Syndromes, Hereditary; Tumor predisposition; Hereditary Cancer Syndrome; Hereditary neoplastic syndrome. Identifiers: Orphanet 140162, MedGen C0027672, MeSH D009386, MONDO:0015356.
Gastrointestinal stromal tumor. Also called: Gastrointestinal stromal tumor, somatic; Gastrointestinal stroma tumor. Identifiers: Orphanet 44890, MedGen C0238198, MeSH D046152, MONDO:0011719, OMIM 606764, HP:0100723.

Allele frequency attached by ClinVar (database versions not stated): gnomAD exomes below 0.00001; TOPMed below 0.00001.

Submissions (3):

Myriad Genetics, Inc.
Classification: Benign for Polyps, multiple and recurrent inflammatory fibroid, gastrointestinal. Last evaluated: 2026-06-17. Review status: criteria provided, single submitter. Criteria: Myriad Autosomal Dominant, Autosomal Recessive and X-Linked Classification Criteria (2023). Collection method: clinical testing. Allele origin: unknown.
Comment: This variant is considered benign. This variant is a silent/synonymous amino acid change and it is not expected to impact splicing.

Labcorp Genetics (formerly Invitae), Labcorp
Classification: Likely benign for Gastrointestinal stromal tumor. Last evaluated: 2025-09-13. Review status: criteria provided, single submitter. Criteria: Invitae Variant Classification Sherloc (09022015). Collection method: clinical testing. Allele origin: germline.

Ambry Genetics
Classification: Likely benign for Hereditary cancer-predisposing syndrome. Last evaluated: 2022-04-29. Review status: criteria provided, single submitter. Criteria: Ambry Variant Classification Scheme 2023. Collection method: clinical testing. Allele origin: germline.

NM_006206.6(PDGFRA):c.1857A>G (p.Gln619=)

Gene: PDGFRA (platelet derived growth factor receptor alpha; plus strand). Cytogenetic location: 4q12.
Variant type: single nucleotide variant.
Coding change: c.1857A>G on transcript NM_006206.6 (MANE Select); coding-DNA position 1857, A replaced by G.
Protein change: p.Gln619=; no amino-acid change (glutamine 619 retained).
Molecular consequence: synonymous variant.
Genome position (GRCh38, 1-based): chr4:54,277,458, A>G. VCF-style: chr4-54277458-A-G. GRCh37 (hg19) VCF-style: chr4-55143625-A-G.
Other names: c.1857A>G, p.Gln619= (NM_001347827.2, NM_001347829.2); c.1932A>G, p.Gln644= (NM_001347828.2); c.1896A>G, p.Gln632= (NM_001347830.2).
Identifiers: ClinVar variation 1587366 (VCV001587366.11), dbSNP rs1723802330, ClinGen allele CA439287294.